The following is an entry in ClinVar:

NM_001323289.2(CDKL5):c.2842C>T (p.Arg948Ter)

Gene: CDKL5 (cyclin dependent kinase like 5; plus strand). Cytogenetic location: Xp22.13.
Variant type: single nucleotide variant.
Coding change: c.2842C>T on transcript NM_001323289.2 (MANE Select); coding-DNA position 2842, C replaced by T.
Protein change: p.Arg948Ter; replaces arginine 948 with a stop codon.
Molecular consequence: nonsense. On other transcripts: intron variant (2).
Genome position (GRCh38, 1-based): chrX:18,628,716, C>T. VCF-style: chrX-18628716-C-T. GRCh37 (hg19) VCF-style: chrX-18646836-C-T.
Other names: NM_001323289.2(CDKL5):c.2842C>T; p.Arg948Ter; c.2713+129C>T (NM_003159.3, NM_001037343.2); short protein forms R948*.
Identifiers: ClinVar variation 489299 (VCV000489299.13), dbSNP rs1555955296, ClinGen allele CA412369187.

ClinVar aggregate classification (germline): Pathogenic. Review status: reviewed by expert panel (3 of 4 stars). 5 submissions from 5 submitters: Pathogenic (1). 4 of the submissions do not count toward it. Last evaluated 2022-09-01.

Conditions:
CDKL5 disorder. Identifiers: MedGen CN296942, MONDO:0100039.
Developmental and epileptic encephalopathy, 2 (DEE2). Also called: INFANTILE SPASM SYNDROME, X-LINKED 2; CDKL5 deficiency disorder. Identifiers: Orphanet 1934, Orphanet 3451, Orphanet 505652, MedGen C4750718, MONDO:0010396, OMIM 300672.
Developmental and epileptic encephalopathy. Identifiers: MedGen C5779964, MONDO:0100620.

Submissions (5):

ClinGen Rett and Angelman-like Disorders Variant Curation Expert Panel
Classification: Pathogenic for CDKL5 disorder. Last evaluated: 2022-09-01. Review status: reviewed by expert panel. Criteria: ClinGen RettAS ACMG Specifications V2. Collection method: curation. Allele origin: germline. Inheritance: X-linked inheritance.
Comment: The p.Arg948Ter variant in CDKL5 is absent from gnomAD (PM2_Supporting). The p.Arg948Ter variant in CDKL5 has been reported as a de novo occurrence (biological parentage confirmed) in at least 2 individuals with features of CDKL5-associated disorder (PMID 32366967; internal database) (PS2_Very Strong). The p.Arg948Ter variant in CDKL5 is predicted to cause a premature stop codon that leads to a truncated or absent protein in a gene where loss-of-function is an established mechanism. While loss-of-function variants are commonly observed in affected individuals in this gene, there is a paucity of these variants in this region of the gene to date (PVS1). In summary, the p.Arg948Ter variant in CDKL5 is classified as pathogenic for CDKL5 disorder based on the ACMG/AMP criteria (PM2_Supporting, PS2_Very Strong, PVS1).

GeneDx
Classification: Pathogenic. Last evaluated: 2025-08-05. Review status: criteria provided, single submitter. Criteria: GeneDx Variant Classification Process June 2021. Collection method: clinical testing. Allele origin: germline. Affected: yes. Not counted in ClinVar's aggregate classification.
Comment: Reported using an alternate transcript of the gene; Nonsense variant predicted to result in protein truncation in a gene for which loss of function is a known mechanism of disease; Not observed at significant frequency in large population cohorts (gnomAD); This variant is associated with the following publications: (PMID: 31814998, 35934918, 32366967)

Broad Center for Mendelian Genomics, Broad Institute of MIT and Harvard
Classification: Pathogenic for CDKL5 disorder. Last evaluated: 2023-05-02. Review status: criteria provided, single submitter. Criteria: ACMG Guidelines, 2015. Collection method: curation. Allele origin: germline. Inheritance: Autosomal dominant inheritance. Not counted in ClinVar's aggregate classification.
Comment: Trio genome analysis showed this variant to be de novo. The p.Arg948Ter variant in CDKL5 has been previously reported in two unrelated individuals with developmental and epileptic encephalopathy 2 (PMID: 32366967, ClinVar SCV002569929.1). This variant was absent from large population studies. This variant has also been reported in ClinVar (Variation ID: 489299) and has been interpreted as pathogenic by the ClinGen Rett and Angelman-like Disorders Variant Curation Expert Panel, NIH Undiagnosed Diseases Network, and GeneDx. This nonsense variant leads to a premature termination codon at position 948. This alteration occurs within the terminal 50 bases of the last exon and is more likely to escape nonsense mediated decay (NMD) and result in a truncated protein. Loss of function of the CDKL5 gene is an established disease mechanism in X-linked developmental and epileptic encephalopathy 2. In summary, this variant meets criteria to be classified as pathogenic for developmental and epileptic encephalopathy 2. ACMG/AMP Criteria applied: PVS1_Strong, PS2, PM2_Supporting (Richards 2015).

Laboratory for Molecular Medicine, Mass General Brigham Personalized Medicine
Classification: Pathogenic for Early-infantile DEE. Last evaluated: 2020-07-08. Review status: criteria provided, single submitter. Criteria: ACMG Guidelines, 2015. Collection method: clinical testing. Allele origin: germline. Not counted in ClinVar's aggregate classification.
Comment: In both individuals the variant was found to be de novo through trio whole genome sequence analysis. This variant has also been reported by a clinical laboratory in ClinVar (Variation ID 482247) and is absent from large population studies. This variant is present in the NM_001323289.2 transcript, which is confirmed to be expressed in the brain in both humans and mice (Hector RD et al 2016). This nonsense variant leads to a premature termination codon at position 948. This alteration occurs within the last exon and is, therefore, likely to escape nonsense mediated decay (NMD) and result in a truncated protein. However, identification of other de novo truncating variants in this region suggest the region is critical for protein function. In summary, this variant meets criteria to be classified as pathogenic for X-linked dominant early infantile epileptic encephalopathy based on case observations, de novo occurrence, absence from large population studies, and predicted impact on protein. ACMG/AMP Criteria applied: PS2, PVS1_Strong, PM2_Supporting.

Undiagnosed Diseases Network, NIH
Classification: Pathogenic for Developmental and epileptic encephalopathy, 2. Last evaluated: 2018-09-05. Review status: criteria provided, single submitter. Criteria: ACMG Guidelines, 2015. Collection method: clinical testing. Allele origin: de novo. Inheritance: X-linked inheritance. Affected: yes. Observed: 1 variant allele, 1 hemizygote. Not counted in ClinVar's aggregate classification.
Comment: This variant was reported by the clinical laboratory as pathogenic in July 2018. Previous testing at a different laboratory in October 2016 did not report the variant because it was only in a coding region on transcript NM_001323289.1 and not the other isoforms of CDKL5, including the canonical transcript. This transcript was added to NCBI RefSeq database in April 2016 but had not yet been curated into their annotation set and so was not included in their analysis in October 2016. This variant is present in the NM_001323289.1 transcript, which is confirmed to be expressed in the brain in both humans and mice. Our patient's variant is located in exon 17, which is longer in this alternative transcript than in the canonical transcript.

Literature cited by the submitters: PubMed 32366967 (cited by Laboratory for Molecular Medicine, Mass General Brigham Personalized Medicine).